The following is an entry in ClinVar:

ClinVar aggregate classification (germline): Conflicting classifications of pathogenicity. Review status: criteria provided, conflicting classifications (1 of 4 stars). 6 submissions from 6 submitters: Uncertain significance (2); Likely benign (4). Last evaluated 2025-01-05.

Conditions:
Cardiovascular phenotype. Identifiers: MedGen CN230736.
Cardiomyopathy (CMYO). Also called: Cardiomyopathies. Identifiers: Orphanet 167848, MedGen C0878544, MONDO:0004994, HP:0001638. Inheritance: Various modes of inheritance.
Keratosis palmoplantaris striata 2. Also called: KERATODERMA, PALMOPLANTAR, STRIATE FORM II; STRIATE PALMOPLANTAR KERATODERMA II; Keratosis palmoplantaris striata II. Identifiers: MedGen C1852127, MONDO:0013034, OMIM 612908.
Arrhythmogenic right ventricular dysplasia 8 (ARVD8). Also called: Arrhythmogenic Right Ventricular Dysplasia/Cardiomyopathy 8; ARRHYTHMOGENIC RIGHT VENTRICULAR DYSPLASIA, FAMILIAL, 8; ARRHYTHMOGENIC RIGHT VENTRICULAR CARDIOMYOPATHY 8. Identifiers: MedGen C1843896, MONDO:0011831, OMIM 607450.
Arrhythmogenic cardiomyopathy with wooly hair and keratoderma. Also called: PALMOPLANTAR KERATODERMA WITH LEFT VENTRICULAR CARDIOMYOPATHY AND WOOLLY HAIR; Carvajal syndrome; Dilated cardiomyopathy with woolly hair and keratoderma; Arrhythmogenic cardiomyopathy with woolly hair and keratoderma. Identifiers: Orphanet 65282, MedGen C1854063, MONDO:0011581, OMIM 605676.
Woolly hair-skin fragility syndrome (WHSF). Identifiers: Orphanet 293165, MedGen C1843292, MONDO:0957307, OMIM 620415.
Cardiomyopathy, dilated, with wooly hair, keratoderma, and tooth agenesis. Also called: Cardiomyopathy, dilated, with woolly hair, keratoderma, and tooth agenesis; Erythrokeratodermia-cardiomyopathy syndrome. Identifiers: Orphanet 476096, Orphanet 65282, MedGen C4014393, MONDO:0014355, OMIM 615821.
Lethal acantholytic epidermolysis bullosa (EBLA). Identifiers: Orphanet 158687, MedGen C1864826, MONDO:0012323, OMIM 609638.

Allele frequency attached by ClinVar (database versions not stated): gnomAD below 0.00001 and 0.00001; gnomAD exomes 0.00003 and 0.00005; ExAC 0.00004; ESP Exome Variant Server 0.00008.
gnomAD v4.1: 50 of 1,613,854 alleles (0.0031%); highest among the groups gnomAD compares: South Asian, 0.047%; no homozygotes.

Submissions (6):

GeneDx
Classification: Uncertain significance. Last evaluated: 2025-01-05. Review status: criteria provided, single submitter. Criteria: GeneDx Variant Classification Process June 2021. Collection method: clinical testing. Allele origin: germline. Affected: yes.
Comment: In silico analysis supports that this missense variant has a deleterious effect on protein structure/function; Has not been previously published as pathogenic or benign to our knowledge

Labcorp Genetics (formerly Invitae), Labcorp
Classification: Likely benign for Arrhythmogenic cardiomyopathy with wooly hair and keratoderma; Arrhythmogenic right ventricular dysplasia 8. Last evaluated: 2024-11-26. Review status: criteria provided, single submitter. Criteria: Invitae Variant Classification Sherloc (09022015). Collection method: clinical testing. Allele origin: germline.

All of Us Research Program, National Institutes of Health
Classification: Likely benign for Arrhythmogenic cardiomyopathy with wooly hair and keratoderma. Last evaluated: 2023-12-07. Review status: criteria provided, single submitter. Criteria: ACMG Guidelines, 2015. Collection method: clinical testing. Allele origin: germline. Inheritance: Autosomal dominant inheritance. Observed: 2 variant alleles, 2 heterozygotes.
Comment: This study involves interpretation of variants in research participants for the purpose of population health screening. Participant phenotype was not available at the time of variant classification. Additional details can be found in publication PMID: 35346344, PMCID: PMC8962531

Color Diagnostics, LLC DBA Color Health
Classification: Likely benign for Cardiomyopathy. Last evaluated: 2023-10-19. Review status: criteria provided, single submitter. Criteria: ACMG Guidelines, 2015. Collection method: clinical testing. Allele origin: germline.

Ambry Genetics
Classification: Likely benign for Cardiovascular phenotype. Last evaluated: 2022-01-11. Review status: criteria provided, single submitter. Criteria: Ambry Variant Classification Scheme 2023. Collection method: clinical testing. Allele origin: germline.

Fulgent Genetics
Classification: Uncertain significance for Arrhythmogenic cardiomyopathy with wooly hair and keratoderma; Arrhythmogenic right ventricular dysplasia 8; Lethal acantholytic epidermolysis bullosa; Keratosis palmoplantaris striata 2; Cardiomyopathy, dilated, with wooly hair, keratoderma, and tooth agenesis. Last evaluated: 2021-07-19. Review status: criteria provided, single submitter. Criteria: ACMG Guidelines, 2015. Collection method: clinical testing. Allele origin: unknown.

NM_004415.4(DSP):c.3325G>A (p.Glu1109Lys)

Gene: DSP (desmoplakin; plus strand). Cytogenetic location: 6p24.3.
Variant type: single nucleotide variant.
Coding change: c.3325G>A on transcript NM_004415.4 (MANE Select); coding-DNA position 3325, G replaced by A.
Protein change: p.Glu1109Lys; replaces glutamic acid 1109 with lysine.
Molecular consequence: missense variant.
Genome position (GRCh38, 1-based): chr6:7,579,515, G>A. VCF-style: chr6-7579515-G-A. GRCh37 (hg19) VCF-style: chr6-7579748-G-A.
Other names: c.3325G>A, p.Glu1109Lys (NM_001008844.3, NM_001319034.2); short protein forms E1109K.
Identifiers: ClinVar variation 924927 (VCV000924927.15), dbSNP rs367763339, ClinGen allele CA037790.
Genomic context (GRCh38, chr6:7,579,515, plus strand): 5'-GATGGGAAGTCGGCTAAGCAAAATCTAGACAAGTGCTACGGCCAAATAAAAGAACTCAAT[G>A]AGAAGATCACCCGACTGACTTATGAGATTGAAGATGAAAAGAGAAGAAGAAAATCTGTGG-3'
Protein context (NP_004406.2, residues 1099-1119): KCYGQIKELN[Glu1109Lys]KITRLTYEIE